The following is an entry in ClinVar:

NM_025243.4(SLC19A3):c.1343T>C (p.Val448Ala)

Gene: SLC19A3 (solute carrier family 19 member 3; minus strand). Cytogenetic location: 2q36.3.
Variant type: single nucleotide variant.
Coding change: c.1343T>C on transcript NM_025243.4 (MANE Select); coding-DNA position 1343, T replaced by C.
Protein change: p.Val448Ala; replaces valine 448 with alanine.
Molecular consequence: missense variant.
Genome position (GRCh38, 1-based): chr2:227,687,545, A>G on the plus strand (T>C on the coding strand, the complement: SLC19A3 is on the minus strand). VCF-style: chr2-227687545-A-G. GRCh37 (hg19) VCF-style: chr2-228552261-A-G.
Other names: c.1343T>C, p.Val448Ala (NM_001371411.1, NM_001371412.1); c.1331T>C, p.Val444Ala (NM_001371413.1, NM_001371414.1); short protein forms V444A, V448A.
Identifiers: ClinVar variation 748020 (VCV000748020.14), dbSNP rs201544540, ClinGen allele CA2149094.

ClinVar aggregate classification (germline): Conflicting classifications of pathogenicity. Review status: criteria provided, conflicting classifications (1 of 4 stars). 2 submissions from 2 submitters: Uncertain significance (1); Likely benign (1). Last evaluated 2026-01-20.

Conditions:
Biotin-responsive basal ganglia disease (BTBGD). Also called: Thiamine metabolism dysfunction syndrome 2 (biotin- or thiamine-responsive encephalopathy type 2); thiamine-responsive encephalopathy; Thiamine metabolism dysfunction syndrome type 2; Thiamine Transporter-2 Deficiency; THIAMINE METABOLISM DYSFUNCTION SYNDROME 2 (BIOTIN- AND THIAMINE-RESPONSIVE TYPE). Identifiers: Orphanet 199348, Orphanet 65284, MedGen C1843807, MONDO:0011841, OMIM 607483.

Allele frequency attached by ClinVar (database versions not stated): gnomAD 0.00005 and 0.00006; TOPMed 0.00006; gnomAD exomes 0.00009 and 0.00023; ExAC 0.00021.
gnomAD v4.1: 133 of 1,613,990 alleles (0.0082%); highest among the groups gnomAD compares: East Asian, 0.27%; 1 homozygote.

Submissions (2):

Labcorp Genetics (formerly Invitae), Labcorp
Classification: Likely benign for Biotin-responsive basal ganglia disease. Last evaluated: 2026-01-20. Review status: criteria provided, single submitter. Criteria: Invitae Variant Classification Sherloc (09022015). Collection method: clinical testing. Allele origin: germline.

GeneDx
Classification: Uncertain significance. Last evaluated: 2024-01-10. Review status: criteria provided, single submitter. Criteria: GeneDx Variant Classification Process June 2021. Collection method: clinical testing. Allele origin: germline. Affected: yes.
Comment: In silico analysis supports that this missense variant does not alter protein structure/function; Has not been previously published as pathogenic or benign to our knowledge